The following is an entry in ClinVar:

ClinVar aggregate classification (germline): Pathogenic (1 of 4 stars; one submission).

Submission:

Labcorp Genetics (formerly Invitae), Labcorp
Classification: Pathogenic. Last evaluated: 2022-08-04. Review status: criteria provided, single submitter. Criteria: Invitae Variant Classification Sherloc (09022015). Collection method: clinical testing. Allele origin: germline.
Comment: This sequence change creates a premature translational stop signal (p.Gln1011*) in the CACNA1F gene. It is expected to result in an absent or disrupted protein product. Loss-of-function variants in CACNA1F are known to be pathogenic (PMID: 9662399, 11281458, 17525176, 22194652, 24124559, 26992781). This variant is not present in population databases (gnomAD no frequency). This variant has not been reported in the literature in individuals affected with CACNA1F-related conditions. Algorithms developed to predict the effect of sequence changes on RNA splicing suggest that this variant may disrupt the consensus splice site. For these reasons, this variant has been classified as Pathogenic.

Literature cited by the submitters: PubMed 9662399; PubMed 11281458; PubMed 17525176; PubMed 22194652; PubMed 24124559; PubMed 26992781.

NM_001256789.3(CACNA1F):c.2998C>T (p.Gln1000Ter)

Gene: CACNA1F (calcium voltage-gated channel subunit alpha1 F; minus strand). Cytogenetic location: Xp11.23.
Variant type: single nucleotide variant.
Coding change: c.2998C>T on transcript NM_001256789.3 (MANE Select); coding-DNA position 2998, C replaced by T.
Protein change: p.Gln1000Ter; replaces glutamine 1000 with a stop codon.
Molecular consequence: nonsense.
Genome position (GRCh38, 1-based): chrX:49,217,936, G>A on the plus strand (C>T on the coding strand, the complement: CACNA1F is on the minus strand). VCF-style: chrX-49217936-G-A. GRCh37 (hg19) VCF-style: chrX-49074395-G-A.
Other names: c.2836C>T, p.Gln946Ter (NM_001256790.3); c.3031C>T, p.Gln1011Ter (NM_005183.4); short protein forms Q946*, Q1011*, Q1000*.
Identifiers: ClinVar variation 2065204 (VCV002065204.4), dbSNP rs2147907436, ClinGen allele CA412964407.
Genomic context (GRCh38, chrX:49,217,936, plus strand): 5'-TTCCCTCCAGTGTTTGCCCCACCTTGAAGAGCTGCACCCCGATGCAGGCGAACATAAATT[G>A]CAGAAGTGTGGTGACAATCATGATGTTTCCGATGGTCCGGATGGCCACAAATACACACTG-3'